The following is an entry in ClinVar:

NM_001256007.3(PNPLA8):c.1330A>G (p.Ile444Val)

Gene: PNPLA8 (patatin like domain 8, phospholipase A2; minus strand). Cytogenetic location: 7q31.1.
Variant type: single nucleotide variant.
Coding change: c.1330A>G on transcript NM_001256007.3 (MANE Select); coding-DNA position 1330, A replaced by G.
Protein change: p.Ile444Val; replaces isoleucine 444 with valine.
Molecular consequence: missense variant.
Genome position (GRCh38, 1-based): chr7:108,502,519, T>C on the plus strand (A>G on the coding strand, the complement: PNPLA8 is on the minus strand). VCF-style: chr7-108502519-T-C. GRCh37 (hg19) VCF-style: chr7-108142963-T-C.
Other names: c.1330A>G, p.Ile444Val (NM_001256008.3, NM_001256009.3, NM_015723.5); c.1030A>G, p.Ile344Val (NM_001256010.3, NM_001256011.3); short protein forms I344V, I444V.
Identifiers: ClinVar variation 2130723 (VCV002130723.4), dbSNP rs2552114868, ClinGen allele CA368896870.
Genomic context (GRCh38, chr7:108,502,519, plus strand): 5'-AAAAAAAAAAAGAATCATGTTCCTAGCCTTACCTTGTTCCTCCACCATCAATTGAGAGAA[T>C]TCGGATTCCTCTCCCTTTCACTGGATCCACATAGCCAATTAGGGCCAAAATTTCTCTAAC-3'
Protein context (NP_001242936.1, residues 434-454): VDPVKGRGIR[Ile444Val]LSIDGGGTRG

ClinVar aggregate classification (germline): Uncertain significance (1 of 4 stars; one submission).

Submission:

Labcorp Genetics (formerly Invitae), Labcorp
Classification: Uncertain significance. Last evaluated: 2022-04-25. Review status: criteria provided, single submitter. Criteria: Invitae Variant Classification Sherloc (09022015). Collection method: clinical testing. Allele origin: germline.
Comment: In summary, the available evidence is currently insufficient to determine the role of this variant in disease. Therefore, it has been classified as a Variant of Uncertain Significance. Algorithms developed to predict the effect of missense changes on protein structure and function (SIFT, PolyPhen-2, Align-GVGD) all suggest that this variant is likely to be tolerated. This variant has not been reported in the literature in individuals affected with PNPLA8-related conditions. This variant is not present in population databases (gnomAD no frequency). This sequence change replaces isoleucine, which is neutral and non-polar, with valine, which is neutral and non-polar, at codon 444 of the PNPLA8 protein (p.Ile444Val).